The following is an entry in ClinVar:

NM_021625.5(TRPV4):c.1283G>A (p.Gly428Glu)

Gene: TRPV4 (transient receptor potential cation channel subfamily V member 4; minus strand). Cytogenetic location: 12q24.11.
Variant type: single nucleotide variant.
Coding change: c.1283G>A on transcript NM_021625.5 (MANE Select); coding-DNA position 1283, G replaced by A.
Protein change: p.Gly428Glu; replaces glycine 428 with glutamic acid.
Molecular consequence: missense variant. On other transcripts: intron variant (2).
Genome position (GRCh38, 1-based): chr12:109,796,574, C>T on the plus strand (G>A on the coding strand, the complement: TRPV4 is on the minus strand). VCF-style: chr12-109796574-C-T. GRCh37 (hg19) VCF-style: chr12-110234379-C-T.
Other names: c.1142G>A, p.Gly381Glu (NM_001177428.2); c.1181G>A, p.Gly394Glu (NM_001177431.2); c.1011+2040G>A (NM_001177433.1); c.1152+2040G>A (NM_147204.2); short protein forms G394E, G381E, G428E.
Identifiers: ClinVar variation 933615 (VCV000933615.9), dbSNP rs1890414210, ClinGen allele CA386653533.
Genomic context (GRCh38, chr12:109,796,574, plus strand): 5'-CTGGAGCCCACCTCAATCTTGCTGTTGTACACCAGGATCTCCAGCACGGAGGCCTCTTCC[C>T]CACACGTGTCCAGGGAGGAGAGGTCATAAAGCGAGGAATACACTGGCCCATAGGCCCAGT-3'
Protein context (NP_067638.3, residues 418-438): LYDLSSLDTC[Gly428Glu]EEASVLEILV

ClinVar aggregate classification (germline): Uncertain significance (1 of 4 stars; one submission).

Conditions:
Charcot-Marie-Tooth disease axonal type 2C (HMSN2C). Also called: Charcot-Marie-Tooth Disease Type 2, TRPV4-Related (CMT2C); CHARCOT-MARIE-TOOTH DISEASE, AXONAL, AUTOSOMAL DOMINANT, TYPE 2C; Charcot-Marie-Tooth Neuropathy Type 2C. Identifiers: Orphanet 99937, MedGen C1853710, MONDO:0011633, OMIM 606071.

Submission:

Labcorp Genetics (formerly Invitae), Labcorp
Classification: Uncertain significance for Charcot-Marie-Tooth disease axonal type 2C. Last evaluated: 2019-07-17. Review status: criteria provided, single submitter. Criteria: Invitae Variant Classification Sherloc (09022015). Collection method: clinical testing. Allele origin: germline.
Comment: This sequence change replaces glycine with glutamic acid at codon 428 of the TRPV4 protein (p.Gly428Glu). The glycine residue is moderately conserved and there is a moderate physicochemical difference between glycine and glutamic acid. This variant is not present in population databases (ExAC no frequency). This variant has not been reported in the literature in individuals with TRPV4-related conditions. Algorithms developed to predict the effect of missense changes on protein structure and function are either unavailable or do not agree on the potential impact of this missense change (SIFT: "Tolerated"; PolyPhen-2: "Possibly Damaging"; Align-GVGD: "Class C0"). In summary, the available evidence is currently insufficient to determine the role of this variant in disease. Therefore, it has been classified as a Variant of Uncertain Significance.